The following is an entry in ClinVar:

NM_004519.4(KCNQ3):c.52G>T (p.Gly18Trp)

Gene: KCNQ3 (potassium voltage-gated channel subfamily Q member 3; minus strand). Cytogenetic location: 8q24.22.
Variant type: single nucleotide variant.
Coding change: c.52G>T on transcript NM_004519.4 (MANE Select); coding-DNA position 52, G replaced by T.
Protein change: p.Gly18Trp; replaces glycine 18 with tryptophan.
Molecular consequence: missense variant.
Genome position (GRCh38, 1-based): chr8:132,480,481, C>A on the plus strand (G>T on the coding strand, the complement: KCNQ3 is on the minus strand). VCF-style: chr8-132480481-C-A. GRCh37 (hg19) VCF-style: chr8-133492728-C-A.
Other names: short protein forms G18W.
Identifiers: ClinVar variation 1523326 (VCV001523326.8), dbSNP rs755333945, ClinGen allele CA372292991.
Genomic context (GRCh38, chr8:132,480,481, plus strand): 5'-CGCCGGCCGCCGCCGCGTCCCCTCCGGCTGGGTTAGCCGCCCCGCCGCCTCCGCCGCCCC[C>A]GTCGCCGCCGCCGCCAGCCGCCCCCGCCGCCCTGCGCGCCTTGAGCCCCATCTGCCTCGC-3'
Protein context (NP_004510.1, residues 8-28): AAGAAGGGGD[Gly18Trp]GGGGGGAANP

ClinVar aggregate classification (germline): Uncertain significance (1 of 4 stars; one submission).

Conditions:
Benign neonatal seizures. Also called: Convulsions benign familial neonatal dominant form; Autosomal dominant form of benign neonatal seizures; Benign familial neonatal seizures; Benign familial neonatal epilepsy; Benign neonatal familial convulsions. Identifiers: Orphanet 1949, MedGen C0220669, MONDO:0016027.

Allele frequency attached by ClinVar (database versions not stated): TOPMed 0.00001.
gnomAD v4.1: 2 of 1,216,808 alleles (0.00016%); highest among the groups gnomAD compares: Non-Finnish European, 0.0002%; no homozygotes.

Submission:

Labcorp Genetics (formerly Invitae), Labcorp
Classification: Uncertain significance for Benign neonatal seizures. Last evaluated: 2021-04-05. Review status: criteria provided, single submitter. Criteria: Invitae Variant Classification Sherloc (09022015). Collection method: clinical testing. Allele origin: germline.
Comment: Algorithms developed to predict the effect of missense changes on protein structure and function are either unavailable or do not agree on the potential impact of this missense change (SIFT: "Deleterious"; PolyPhen-2: "Probably Damaging"; Align-GVGD: "Class C0"). In summary, the available evidence is currently insufficient to determine the role of this variant in disease. Therefore, it has been classified as a Variant of Uncertain Significance. This sequence change replaces glycine with tryptophan at codon 18 of the KCNQ3 protein (p.Gly18Trp). The glycine residue is weakly conserved and there is a large physicochemical difference between glycine and tryptophan. This variant has not been reported in the literature in individuals with KCNQ3-related conditions. The frequency data for this variant in the population databases is considered unreliable, as metrics indicate insufficient coverage at this position in the ExAC database.